The following is an entry in ClinVar:

ClinVar aggregate classification (germline): Uncertain significance (1 of 4 stars; one submission).

Submission:

GeneDx
Classification: Uncertain significance. Last evaluated: 2022-10-04. Review status: criteria provided, single submitter. Criteria: GeneDx Variant Classification Process June 2021. Collection method: clinical testing. Allele origin: germline. Affected: yes.
Comment: Not observed at significant frequency in large population cohorts (gnomAD); In silico analysis supports that this missense variant has a deleterious effect on protein structure/function; Has not been previously published as pathogenic or benign to our knowledge

NM_003995.4(NPR2):c.1160A>G (p.Asp387Gly)

Gene: NPR2 (natriuretic peptide receptor 2; plus strand). Cytogenetic location: 9p13.3.
Variant type: single nucleotide variant.
Coding change: c.1160A>G on transcript NM_003995.4 (MANE Select); coding-DNA position 1160, A replaced by G.
Protein change: p.Asp387Gly; replaces aspartic acid 387 with glycine.
Molecular consequence: missense variant.
Genome position (GRCh38, 1-based): chr9:35,800,425, A>G. VCF-style: chr9-35800425-A-G. GRCh37 (hg19) VCF-style: chr9-35800422-A-G.
Other names: c.1160A>G, p.Asp387Gly (NM_001378923.1); short protein forms D387G.
Identifiers: ClinVar variation 2497965 (VCV002497965.1), dbSNP rs2491044901, ClinGen allele CA373370607.